The following is an entry in ClinVar:

ClinVar aggregate classification (germline): Uncertain significance (1 of 4 stars; one submission).

Submission:

GeneDx
Classification: Uncertain significance. Last evaluated: 2023-01-26. Review status: criteria provided, single submitter. Criteria: GeneDx Variant Classification Process June 2021. Collection method: clinical testing. Allele origin: germline. Affected: yes.
Comment: Not observed at significant frequency in large population cohorts (gnomAD); Has not been previously published as pathogenic or benign to our knowledge

NM_005097.4(LGI1):c.610C>T (p.Pro204Ser)

Gene: LGI1 (leucine rich glioma inactivated 1; plus strand). Cytogenetic location: 10q23.33.
Variant type: single nucleotide variant.
Coding change: c.610C>T on transcript NM_005097.4 (MANE Select); coding-DNA position 610, C replaced by T.
Protein change: p.Pro204Ser; replaces proline 204 with serine.
Molecular consequence: missense variant. On other transcripts: non-coding transcript variant (1).
Genome position (GRCh38, 1-based): chr10:93,792,849, C>T. VCF-style: chr10-93792849-C-T. GRCh37 (hg19) VCF-style: chr10-95552606-C-T.
Other names: c.610C>T, p.Pro204Ser (NM_001308275.2); c.466C>T, p.Pro156Ser (NM_001308276.2); short protein forms P156S, P204S.
Identifiers: ClinVar variation 2574458 (VCV002574458.1), dbSNP rs2492904099, ClinGen allele CA377623566.
Genomic context (GRCh38, chr10:93,792,849, plus strand): 5'-CTAGTGGAATGGCTTGGCCACACCAATGCAACTGTTGAAGACATCTACTGCGAAGGCCCC[C>T]CAGAATACAAGAAGCGCAAAATCAATAGTCTCTCCTCGAAGGATTTTGATTGCATCATTA-3'
Protein context (NP_005088.1, residues 194-214): TVEDIYCEGP[Pro204Ser]EYKKRKINSL